The following is an entry in ClinVar:

ClinVar aggregate classification (germline): Uncertain significance. Review status: criteria provided, multiple submitters, no conflicts (2 of 4 stars). 2 submissions from 2 submitters: Uncertain significance (2). Last evaluated 2024-10-16.

Conditions:
Autosomal recessive spastic paraplegia type 78. Identifiers: Orphanet 513436, MedGen C5567893, MONDO:0014975, OMIM 617225.
Kufor-Rakeb syndrome (KRS). Also called: PARKINSON DISEASE 9, AUTOSOMAL RECESSIVE, JUVENILE-ONSET. Identifiers: Orphanet 306674, Orphanet 314632, MedGen C1847640, MONDO:0011706, OMIM 606693.
Inborn genetic diseases. Identifiers: MedGen C0950123, MeSH D030342.

Allele frequency attached by ClinVar (database versions not stated): gnomAD exomes below 0.00001.
gnomAD v4.1: 2 of 1,614,002 alleles (0.00012%); highest among the groups gnomAD compares: Admixed American, 0.0033%; no homozygotes.

Submissions (2):

Labcorp Genetics (formerly Invitae), Labcorp
Classification: Uncertain significance for Kufor-Rakeb syndrome; Autosomal recessive spastic paraplegia type 78. Last evaluated: 2024-10-16. Review status: criteria provided, single submitter. Criteria: Invitae Variant Classification Sherloc (09022015). Collection method: clinical testing. Allele origin: germline.
Comment: This sequence change replaces alanine, which is neutral and non-polar, with proline, which is neutral and non-polar, at codon 125 of the ATP13A2 protein (p.Ala125Pro). This variant is present in population databases (no rsID available, gnomAD 0.006%). This variant has not been reported in the literature in individuals affected with ATP13A2-related conditions. ClinVar contains an entry for this variant (Variation ID: 1734468). Invitae Evidence Modeling of protein sequence and biophysical properties (such as structural, functional, and spatial information, amino acid conservation, physicochemical variation, residue mobility, and thermodynamic stability) indicates that this missense variant is not expected to disrupt ATP13A2 protein function with a negative predictive value of 95%. In summary, the available evidence is currently insufficient to determine the role of this variant in disease. Therefore, it has been classified as a Variant of Uncertain Significance.

Ambry Genetics
Classification: Uncertain significance for Inborn genetic diseases. Last evaluated: 2019-01-31. Review status: criteria provided, single submitter. Criteria: Ambry Variant Classification Scheme 2023. Collection method: clinical testing. Allele origin: germline.
Comment: The p.A125P variant (also known as c.373G>C), located in coding exon 5 of the ATP13A2 gene, results from a G to C substitution at nucleotide position 373. The alanine at codon 125 is replaced by proline, an amino acid with highly similar properties. This amino acid position is poorly conserved in available vertebrate species. In addition, this alteration is predicted to be tolerated by in silico analysis. Since supporting evidence is limited at this time, the clinical significance of this alteration remains unclear.

NM_022089.4(ATP13A2):c.373G>C (p.Ala125Pro)

Gene: ATP13A2 (ATPase cation transporting 13A2; minus strand). Cytogenetic location: 1p36.13.
Variant type: single nucleotide variant.
Coding change: c.373G>C on transcript NM_022089.4 (MANE Select); coding-DNA position 373, G replaced by C.
Protein change: p.Ala125Pro; replaces alanine 125 with proline.
Molecular consequence: missense variant.
Genome position (GRCh38, 1-based): chr1:17,004,796, C>G on the plus strand (G>C on the coding strand, the complement: ATP13A2 is on the minus strand). VCF-style: chr1-17004796-C-G. GRCh37 (hg19) VCF-style: chr1-17331291-C-G.
Other names: c.373G>C, p.Ala125Pro (NM_001141973.3, NM_001141974.3); short protein forms A125P.
Identifiers: ClinVar variation 1734468 (VCV001734468.7), dbSNP rs1248544066, ClinGen allele CA338263491.